The following is an entry in ClinVar:

NM_001330260.2(SCN8A):c.3466G>A (p.Asp1156Asn)

Gene: SCN8A (sodium voltage-gated channel alpha subunit 8; plus strand). Cytogenetic location: 12q13.13.
Variant type: single nucleotide variant.
Coding change: c.3466G>A on transcript NM_001330260.2 (MANE Select); coding-DNA position 3466, G replaced by A.
Protein change: p.Asp1156Asn; replaces aspartic acid 1156 with asparagine.
Molecular consequence: missense variant.
Genome position (GRCh38, 1-based): chr12:51,769,961, G>A. VCF-style: chr12-51769961-G-A. GRCh37 (hg19) VCF-style: chr12-52163745-G-A.
Other names: c.3466G>A, p.Asp1156Asn (NM_001177984.3, NM_001369788.1, NM_014191.4); short protein forms D1156N.
Identifiers: ClinVar variation 1463022 (VCV001463022.7), dbSNP rs777129956, ClinGen allele CA384895605.

ClinVar aggregate classification (germline): Uncertain significance (1 of 4 stars; one submission).

Conditions:
Early-infantile DEE. Also called: Early infantile epileptic encephalopathy with suppression bursts; Early infantile epileptic encephalopathy; Ohtahara syndrome. Identifiers: Orphanet 1934, MedGen C0393706, MONDO:0800491.

Submission:

Labcorp Genetics (formerly Invitae), Labcorp
Classification: Uncertain significance for Early-infantile DEE. Last evaluated: 2023-08-04. Review status: criteria provided, single submitter. Criteria: Invitae Variant Classification Sherloc (09022015). Collection method: clinical testing. Allele origin: germline.
Comment: In summary, the available evidence is currently insufficient to determine the role of this variant in disease. Therefore, it has been classified as a Variant of Uncertain Significance. Advanced modeling of protein sequence and biophysical properties (such as structural, functional, and spatial information, amino acid conservation, physicochemical variation, residue mobility, and thermodynamic stability) performed at Invitae indicates that this missense variant is not expected to disrupt SCN8A protein function. ClinVar contains an entry for this variant (Variation ID: 1463022). This variant has not been reported in the literature in individuals affected with SCN8A-related conditions. This variant is not present in population databases (gnomAD no frequency). This sequence change replaces aspartic acid, which is acidic and polar, with asparagine, which is neutral and polar, at codon 1156 of the SCN8A protein (p.Asp1156Asn).